The following is an entry in ClinVar:

NM_207341.4(ZP1):c.285G>A (p.Ser95=)

Gene: ZP1 (zona pellucida glycoprotein 1; plus strand). Cytogenetic location: 11q12.2.
Variant type: single nucleotide variant.
Coding change: c.285G>A on transcript NM_207341.4 (MANE Select); coding-DNA position 285, G replaced by A.
Protein change: p.Ser95=; no amino-acid change (serine 95 retained).
Molecular consequence: synonymous variant.
Genome position (GRCh38, 1-based): chr11:60,869,233, G>A. VCF-style: chr11-60869233-G-A. GRCh37 (hg19) VCF-style: chr11-60636706-G-A.
Identifiers: ClinVar variation 790093 (VCV000790093.6), dbSNP rs115721019, ClinGen allele CA6027228.

ClinVar aggregate classification (germline): Benign. Review status: criteria provided, multiple submitters, no conflicts (2 of 4 stars). 3 submissions from 3 submitters: Benign (2). 1 of the submissions does not count toward it. Last evaluated 2017-08-02.

Conditions:
ZP1-related disorder. Also called: ZP1-related condition.

Allele frequency attached by ClinVar (database versions not stated): gnomAD exomes 0.00113; ExAC 0.00131; gnomAD 0.00366; 1000 Genomes Project 0.00379; ESP Exome Variant Server 0.00446; TOPMed 0.00495; 1000 Genomes Project 30x 0.00547.
gnomAD v4.1: 1,318 of 1,614,168 alleles (0.082%); highest among the groups gnomAD compares: African/African-American, 1.5%; 13 homozygotes.

Submissions (3):

Labcorp Genetics (formerly Invitae), Labcorp
Classification: Benign. Last evaluated: 2017-08-02. Review status: criteria provided, single submitter. Criteria: Invitae Variant Classification Sherloc (09022015). Collection method: clinical testing. Allele origin: germline.

Breakthrough Genomics
Classification: Benign. Review status: criteria provided, single submitter. Criteria: ACMG Guidelines, 2015. Collection method: not provided. Allele origin: germline. Inheritance: Autosomal recessive inheritance. Affected: yes.

PreventionGenetics, part of Exact Sciences
Classification: Benign for ZP1-related condition. Last evaluated: 2019-08-13. Review status: no assertion criteria provided. Collection method: clinical testing. Allele origin: germline. Not counted in ClinVar's aggregate classification.
Comment: This variant is classified as benign based on ACMG/AMP sequence variant interpretation guidelines (Richards et al. 2015 PMID: 25741868, with internal and published modifications).